The following is an entry in ClinVar:

ClinVar aggregate classification (germline): Uncertain significance. Review status: criteria provided, multiple submitters, no conflicts (2 of 4 stars). 2 submissions from 2 submitters: Uncertain significance (2). Last evaluated 2022-12-08.

Conditions:
Hereditary cancer-predisposing syndrome. Also called: Tumor predisposition; Hereditary Cancer Syndrome; Neoplastic Syndromes, Hereditary; Hereditary neoplastic syndrome. Identifiers: Orphanet 140162, MedGen C0027672, MeSH D009386, MONDO:0015356.
Peutz-Jeghers syndrome (PJS). Also called: Peutz-Jeghers polyposis; Periorificial lentiginosis syndrome; POLYPOSIS, HAMARTOMATOUS INTESTINAL; POLYPS-AND-SPOTS SYNDROME. Identifiers: Orphanet 2869, MedGen C0031269, MeSH D010580, MONDO:0008280, OMIM 175200.

Submissions (2):

Institute for Biomarker Research, Medical Diagnostic Laboratories, L.L.C.
Classification: Uncertain significance for Hereditary cancer-predisposing syndrome. Last evaluated: 2022-12-08. Review status: criteria provided, single submitter. Criteria: ACMG Guidelines, 2015. Collection method: clinical testing. Allele origin: germline.

Labcorp Genetics (formerly Invitae), Labcorp
Classification: Uncertain significance for Peutz-Jeghers syndrome. Last evaluated: 2020-08-19. Review status: criteria provided, single submitter. Criteria: Invitae Variant Classification Sherloc (09022015). Collection method: clinical testing. Allele origin: germline.
Comment: This sequence change replaces alanine with aspartic acid at codon 420 of the STK11 protein (p.Ala420Asp). The alanine residue is weakly conserved and there is a moderate physicochemical difference between alanine and aspartic acid. The frequency data for this variant in the population databases is considered unreliable, as metrics indicate insufficient coverage at this position in the ExAC database. This variant has not been reported in the literature in individuals with STK11-related conditions. Advanced modeling of protein sequence and biophysical properties (such as structural, functional, and spatial information, amino acid conservation, physicochemical variation, residue mobility, and thermodynamic stability) performed at Invitae indicates that this missense variant is not expected to disrupt STK11 protein function. In summary, the available evidence is currently insufficient to determine the role of this variant in disease. Therefore, it has been classified as a Variant of Uncertain Significance.

NM_000455.5(STK11):c.1259C>A (p.Ala420Asp)

Gene: STK11 (serine/threonine kinase 11; plus strand). Cytogenetic location: 19p13.3.
Variant type: single nucleotide variant.
Coding change: c.1259C>A on transcript NM_000455.5 (MANE Select); coding-DNA position 1259, C replaced by A.
Protein change: p.Ala420Asp; replaces alanine 420 with aspartic acid.
Molecular consequence: missense variant.
Genome position (GRCh38, 1-based): chr19:1,226,604, C>A. VCF-style: chr19-1226604-C-A. GRCh37 (hg19) VCF-style: chr19-1226603-C-A.
Other names: short protein forms A420D.
Identifiers: ClinVar variation 1014719 (VCV001014719.10), dbSNP rs369033659, ClinGen allele CA402954064.